The following is an entry in ClinVar:

NM_002691.4(POLD1):c.3121-2A>G

Gene: POLD1 (DNA polymerase delta 1, catalytic subunit; plus strand). Cytogenetic location: 19q13.33.
Variant type: single nucleotide variant.
Coding change: c.3121-2A>G on transcript NM_002691.4 (MANE Select); the canonical splice acceptor site of the intron before coding-DNA position 3121, A replaced by G.
Molecular consequence: splice acceptor variant.
Genome position (GRCh38, 1-based): chr19:50,417,170, A>G. VCF-style: chr19-50417170-A-G. GRCh37 (hg19) VCF-style: chr19-50920427-A-G.
Other names: c.3199-2A>G (NM_001308632.1); c.3121-2A>G (NM_001256849.1).
Identifiers: ClinVar variation 567803 (VCV000567803.14), dbSNP rs1568641547, ClinGen allele CA406987229.
Genomic context (GRCh38, chr19:50,417,170, plus strand): 5'-GGAGGTGAGGAGGGGCCAGGTGGGGAGGCGGGGGCGCCCTGCTCAGCCGCTGCCGTCCCC[A>G]GGTATCCCATCTGAATGCCCTGGAGGAGCGCTTCTCGCGCCTCTGGACGCAGTGCCAGCG-3'

ClinVar aggregate classification (germline): Uncertain significance. Review status: criteria provided, multiple submitters, no conflicts (2 of 4 stars). 2 submissions from 2 submitters: Uncertain significance (2). Last evaluated 2025-10-18.

Conditions:
POLD1-related polyposis and colorectal cancer syndrome (CRCS10). Also called: Colorectal cancer 10; COLORECTAL CANCER, SUSCEPTIBILITY TO, ON CHROMOSOME 19q; Colorectal cancer, susceptibility to, 10. Identifiers: Orphanet 220460, MedGen C2675481, MONDO:0012953, OMIM 612591.
Hereditary cancer-predisposing syndrome. Also called: Tumor predisposition; Neoplastic Syndromes, Hereditary; Hereditary Cancer Syndrome; Hereditary neoplastic syndrome. Identifiers: Orphanet 140162, MedGen C0027672, MeSH D009386, MONDO:0015356.

Submissions (2):

Labcorp Genetics (formerly Invitae), Labcorp
Classification: Uncertain significance for POLD1-related polyposis and colorectal cancer syndrome. Last evaluated: 2025-10-18. Review status: criteria provided, single submitter. Criteria: Invitae Variant Classification Sherloc (09022015). Collection method: clinical testing. Allele origin: germline.
Comment: This sequence change affects an acceptor splice site in intron 25 of the POLD1 gene. Missense variants that disrupt the 3'-5' exonuclease (proof-reading) activity of the POLD1 protein are associated with PPAP (polymerase proofreading–associated polyposis) (PMID: 23263490, 23447401). However, loss-of-function variants that result in an absent or severely disrupted POLD1 protein, and missense variants outside the exonuclease domain, are unlikely to be associated with PPAP. This variant is not present in population databases (gnomAD no frequency). This variant has not been reported in the literature in individuals affected with POLD1-related conditions. ClinVar contains an entry for this variant (Variation ID: 567803). Studies have shown that disruption of this splice site results in skipping of exon 26 and introduces a new termination codon (internal data). However the mRNA is not expected to undergo nonsense-mediated decay. In summary, the available evidence is currently insufficient to determine the role of this variant in disease. Therefore, it has been classified as a Variant of Uncertain Significance.

Ambry Genetics
Classification: Uncertain significance for Hereditary cancer-predisposing syndrome. Last evaluated: 2025-04-10. Review status: criteria provided, single submitter. Criteria: Ambry Variant Classification Scheme 2023. Collection method: clinical testing. Allele origin: germline.
Comment: The c.3121-2A>G intronic variant results from an A to G substitution two nucleotides upstream from coding exon 25 in the POLD1 gene. This nucleotide position is highly conserved in available vertebrate species. In silico splice site analysis predicts that this alteration will weaken the native splice acceptor site and may result in the creation or strengthening of a novel splice acceptor site. Alterations that disrupt the canonical splice site are expected to cause aberrant splicing, resulting in an abnormal protein or a transcript that is subject to nonsense-mediated mRNA decay. However, loss of function of POLD1 has not been established as a mechanism of disease. Based on the available evidence, the clinical significance of this alteration remains unclear.

Literature cited by the submitters: PubMed 23263490 (cited by Labcorp Genetics (formerly Invitae), Labcorp); PubMed 23447401 (cited by Labcorp Genetics (formerly Invitae), Labcorp).